The following is an entry in ClinVar:

NM_004415.4(DSP):c.3565G>A (p.Glu1189Lys)

Gene: DSP (desmoplakin; plus strand). Cytogenetic location: 6p24.3.
Variant type: single nucleotide variant.
Coding change: c.3565G>A on transcript NM_004415.4 (MANE Select); coding-DNA position 3565, G replaced by A.
Protein change: p.Glu1189Lys; replaces glutamic acid 1189 with lysine.
Molecular consequence: missense variant.
Genome position (GRCh38, 1-based): chr6:7,579,755, G>A. VCF-style: chr6-7579755-G-A. GRCh37 (hg19) VCF-style: chr6-7579988-G-A.
Other names: c.3565G>A, p.Glu1189Lys (NM_001008844.3, NM_001319034.2); c.3565G>A (LRG_423t1); short protein forms E1189K.
Identifiers: ClinVar variation 663504 (VCV000663504.15), dbSNP rs866149042, ClinGen allele CA133968511.

ClinVar aggregate classification (germline): Uncertain significance. Review status: criteria provided, multiple submitters, no conflicts (2 of 4 stars). 4 submissions from 4 submitters: Uncertain significance (4). Last evaluated 2025-05-14.

Conditions:
Arrhythmogenic cardiomyopathy with wooly hair and keratoderma. Also called: Dilated cardiomyopathy with woolly hair and keratoderma; Arrhythmogenic cardiomyopathy with woolly hair and keratoderma; Carvajal syndrome; PALMOPLANTAR KERATODERMA WITH LEFT VENTRICULAR CARDIOMYOPATHY AND WOOLLY HAIR. Identifiers: Orphanet 65282, MedGen C1854063, MONDO:0011581, OMIM 605676.
Arrhythmogenic right ventricular dysplasia 8 (ARVD8). Also called: Arrhythmogenic Right Ventricular Dysplasia/Cardiomyopathy 8; ARRHYTHMOGENIC RIGHT VENTRICULAR CARDIOMYOPATHY 8; ARRHYTHMOGENIC RIGHT VENTRICULAR DYSPLASIA, FAMILIAL, 8. Identifiers: MedGen C1843896, MONDO:0011831, OMIM 607450.
Cardiomyopathy (CMYO). Also called: Cardiomyopathies. Identifiers: Orphanet 167848, MedGen C0878544, MONDO:0004994, HP:0001638. Inheritance: Various modes of inheritance.

Allele frequency attached by ClinVar (database versions not stated): gnomAD exomes 0.00001; TOPMed 0.00001.

Submissions (4):

GeneDx
Classification: Uncertain significance. Last evaluated: 2025-05-14. Review status: criteria provided, single submitter. Criteria: GeneDx Variant Classification Process June 2021. Collection method: clinical testing. Allele origin: germline. Affected: yes.
Comment: Not observed at significant frequency in large population cohorts (gnomAD); In silico analysis supports that this missense variant has a deleterious effect on protein structure/function; Has not been previously published as pathogenic or benign to our knowledge

Labcorp Genetics (formerly Invitae), Labcorp
Classification: Uncertain significance for Arrhythmogenic cardiomyopathy with wooly hair and keratoderma; Arrhythmogenic right ventricular dysplasia 8. Last evaluated: 2024-09-19. Review status: criteria provided, single submitter. Criteria: Invitae Variant Classification Sherloc (09022015). Collection method: clinical testing. Allele origin: germline.
Comment: This sequence change replaces glutamic acid, which is acidic and polar, with lysine, which is basic and polar, at codon 1189 of the DSP protein (p.Glu1189Lys). This variant is not present in population databases (gnomAD no frequency). This variant has not been reported in the literature in individuals affected with DSP-related conditions. ClinVar contains an entry for this variant (Variation ID: 663504). An algorithm developed to predict the effect of missense changes on protein structure and function (PolyPhen-2) suggests that this variant is likely to be disruptive. In summary, the available evidence is currently insufficient to determine the role of this variant in disease. Therefore, it has been classified as a Variant of Uncertain Significance.

Color Diagnostics, LLC DBA Color Health
Classification: Uncertain significance for Cardiomyopathy. Last evaluated: 2024-03-06. Review status: criteria provided, single submitter. Criteria: ACMG Guidelines, 2015. Collection method: clinical testing. Allele origin: germline.
Comment: This missense variant replaces glutamic acid with lysine at codon 1189 of the DSP protein. Computational prediction is inconclusive regarding the impact of this variant on protein structure and function (internally defined REVEL score threshold 0.5 < inconclusive < 0.7, PMID: 27666373). To our knowledge, functional studies have not been reported for this variant. This variant has not been reported in individuals affected with cardiovascular disorders in the literature. This variant has not been identified in the general population by the Genome Aggregation Database (gnomAD). The available evidence is insufficient to determine the role of this variant in disease conclusively. Therefore, this variant is classified as a Variant of Uncertain Significance.

All of Us Research Program, National Institutes of Health
Classification: Uncertain significance for Arrhythmogenic cardiomyopathy with wooly hair and keratoderma. Last evaluated: 2023-11-30. Review status: criteria provided, single submitter. Criteria: ACMG Guidelines, 2015. Collection method: clinical testing. Allele origin: germline. Inheritance: Autosomal dominant inheritance. Observed: 2 variant alleles, 2 heterozygotes.
Comment: This study involves interpretation of variants in research participants for the purpose of population health screening. Participant phenotype was not available at the time of variant classification. Additional details can be found in publication PMID: 35346344, PMCID: PMC8962531